The following is an entry in ClinVar:

ClinVar aggregate classification (germline): Uncertain significance. Review status: criteria provided, multiple submitters, no conflicts (2 of 4 stars). 2 submissions from 2 submitters: Uncertain significance (2). Last evaluated 2024-11-18.

Conditions:
Familial hemiplegic migraine. Identifiers: MedGen C0338484, MONDO:0000700.
Inborn genetic diseases. Identifiers: MedGen C0950123, MeSH D030342.

Allele frequency attached by ClinVar (database versions not stated): gnomAD exomes below 0.00001.
gnomAD v4.1: 5 of 1,614,214 alleles (0.00031%); highest among the groups gnomAD compares: South Asian, 0.0033%; no homozygotes.

Submissions (2):

Labcorp Genetics (formerly Invitae), Labcorp
Classification: Uncertain significance for Familial hemiplegic migraine. Last evaluated: 2024-11-18. Review status: criteria provided, single submitter. Criteria: Invitae Variant Classification Sherloc (09022015). Collection method: clinical testing. Allele origin: germline.
Comment: This sequence change replaces leucine, which is neutral and non-polar, with proline, which is neutral and non-polar, at codon 111 of the ATP1A2 protein (p.Leu111Pro). This variant is not present in population databases (gnomAD no frequency). This variant has not been reported in the literature in individuals affected with ATP1A2-related conditions. ClinVar contains an entry for this variant (Variation ID: 2107905). Invitae Evidence Modeling of protein sequence and biophysical properties (such as structural, functional, and spatial information, amino acid conservation, physicochemical variation, residue mobility, and thermodynamic stability) has been performed for this missense variant. However, the output from this modeling did not meet the statistical confidence thresholds required to predict the impact of this variant on ATP1A2 protein function. In summary, the available evidence is currently insufficient to determine the role of this variant in disease. Therefore, it has been classified as a Variant of Uncertain Significance.

Ambry Genetics
Classification: Uncertain significance for Inborn genetic diseases. Last evaluated: 2023-10-25. Review status: criteria provided, single submitter. Criteria: Ambry Variant Classification Scheme 2023. Collection method: clinical testing. Allele origin: germline.

NM_000702.4(ATP1A2):c.332T>C (p.Leu111Pro)

Gene: ATP1A2 (ATPase Na+/K+ transporting subunit alpha 2; plus strand). Cytogenetic location: 1q23.2.
Variant type: single nucleotide variant.
Coding change: c.332T>C on transcript NM_000702.4 (MANE Select); coding-DNA position 332, T replaced by C.
Protein change: p.Leu111Pro; replaces leucine 111 with proline.
Molecular consequence: missense variant.
Genome position (GRCh38, 1-based): chr1:160,123,367, T>C. VCF-style: chr1-160123367-T-C. GRCh37 (hg19) VCF-style: chr1-160093157-T-C.
Other names: short protein forms L111P.
Identifiers: ClinVar variation 2107905 (VCV002107905.5), dbSNP rs2524854281, ClinGen allele CA343231642.